The following is an entry in ClinVar:

ClinVar aggregate classification (germline): Pathogenic (0 of 4 stars; one submission).

Conditions:
Radial aplasia-thrombocytopenia syndrome (TAR). Also called: Thrombocytopenia Absent Radius Syndrome; TAR syndrome. Identifiers: Orphanet 3320, MedGen C0175703, MeSH C536940, MONDO:0010121, OMIM 274000.

Submission:

Unidade de Genética Molecular, Centro Hospitalar Universitário do Porto
Classification: Pathogenic for Radial aplasia-thrombocytopenia syndrome. Last evaluated: 2021-09-08. Review status: no assertion criteria provided. Collection method: research. Allele origin: unknown. Inheritance: Autosomal recessive inheritance. Affected: yes. Observed: 1 compound heterozygote.
Comment: In silico analysis of the intronic variant predicted an effect on mRNA processing. According to the ACMG criteria, this variant was classified as pathogenic (PVS1, PM2, PP3). The nucleotide substitution promotes skipping of the entire exon 5, predictably leading to a reading-frame shift and premature termination codon (p.(Gly115Argfs*30)). This novel variant was identified in compound heterozygosity with the already known RBM8A 5'UTR c.-21G>C, implicated in TAR syndrome by Albers et al.

NM_005105.5(RBM8A):c.343-2A>G

Gene: RBM8A (RNA binding motif protein 8A; minus strand). Cytogenetic location: 1q21.1.
Variant type: single nucleotide variant.
Coding change: c.343-2A>G on transcript NM_005105.5 (MANE Select); the canonical splice acceptor site of the intron before coding-DNA position 343, A replaced by G.
Molecular consequence: splice acceptor variant.
Genome position (GRCh38, 1-based): chr1:145,926,179, T>C on the plus strand (A>G on the coding strand, the complement: RBM8A is on the minus strand). VCF-style: chr1-145926179-T-C. GRCh37 (hg19) VCF-style: chr1-145508914-A-G.
Identifiers: ClinVar variation 1232306 (VCV001232306.3), dbSNP rs2101877791, ClinGen allele CA342127680.
Genomic context (GRCh38, chr1:145,926,179, plus strand): 5'-AGTCCCTCCATAGCAGCCTGGGCTTCCTTGTATGTTTCATATTCAACTAGAGTATACCCC[T>C]GGGGAAAGTGAAAAGACAGATATGAAAACCCTCCTATTTCCCCAAGTATCACTGAGTATC-3'